The following is an entry in ClinVar:

ClinVar aggregate classification (germline): Benign/Likely benign. Review status: criteria provided, multiple submitters, no conflicts (2 of 4 stars). 8 submissions from 8 submitters: Benign (3); Likely benign (1). 4 of the submissions do not count toward it. Last evaluated 2026-01-31.

Conditions:
MYH6-related disorder. Also called: MYH6-Related Disorders; MYH6-related condition.
Hypertrophic cardiomyopathy 14. Identifiers: MedGen C2750467, MONDO:0013197, OMIM 613251.

Allele frequency attached by ClinVar (database versions not stated): ExAC 0.00042; 1000 Genomes Project 0.00100; gnomAD 0.00139 and 0.00146; 1000 Genomes Project 30x 0.00172.

Submissions (8):

Labcorp Genetics (formerly Invitae), Labcorp
Classification: Benign for Hypertrophic cardiomyopathy 14. Last evaluated: 2026-01-31. Review status: criteria provided, single submitter. Criteria: Invitae Variant Classification Sherloc (09022015). Collection method: clinical testing. Allele origin: germline.

Blueprint Genetics
Classification: Likely benign. Last evaluated: 2024-11-27. Review status: criteria provided, single submitter. Criteria: ACMG Guidelines, 2015. Collection method: clinical testing. Allele origin: germline.

Women's Health and Genetics/Laboratory Corporation of America, LabCorp
Classification: Benign. Last evaluated: 2020-08-31. Review status: criteria provided, single submitter. Criteria: LabCorp Variant Classification Summary - May 2015. Collection method: clinical testing. Allele origin: germline.
Comment: Variant summary: MYH6 c.3979-15C>A alters a non-conserved nucleotide located close to a canonical splice site and therefore could affect mRNA splicing, leading to a significantly altered protein sequence. 4/4 computational tools predict no significant impact on normal splicing. However, these predictions have yet to be confirmed by functional studies. The variant allele was found at a frequency of 0.00038 in 225090 control chromosomes, predominantly at a frequency of 0.0038 within the African or African-American subpopulation in the gnomAD database. The observed variant frequency within African or African-American control individuals in the gnomAD database is approximately 150-fold of the estimated maximal expected allele frequency for a pathogenic variant in MYH6 causing Cardiomyopathy phenotype (2.5e-05), strongly suggesting that the variant is a benign polymorphism found primarily in populations of African or African-American origin. To our knowledge, no occurrence of c.3979-15C>A in individuals affected with Cardiomyopathy and no experimental evidence demonstrating its impact on protein function have been reported. No clinical diagnostic laboratories have submitted clinical-significance assessments for this variant to ClinVar after 2014. Based on the evidence outlined above, the variant was classified as benign.

ARUP Laboratories, Molecular Genetics and Genomics, ARUP Laboratories
Classification: Benign. Last evaluated: 2020-01-16. Review status: criteria provided, single submitter. Criteria: ARUP Molecular Germline Variant Investigation Process. Collection method: clinical testing. Allele origin: germline.

PreventionGenetics, part of Exact Sciences
Classification: Likely benign for MYH6-related condition. Last evaluated: 2021-03-08. Review status: no assertion criteria provided. Collection method: clinical testing. Allele origin: germline. Not counted in ClinVar's aggregate classification.
Comment: This variant is classified as likely benign based on ACMG/AMP sequence variant interpretation guidelines (Richards et al. 2015 PMID: 25741868, with internal and published modifications).

Clinical Genetics DNA and cytogenetics Diagnostics Lab, Erasmus MC, Erasmus Medical Center
Classification: Benign. Review status: no assertion criteria provided. Collection method: clinical testing. Allele origin: germline. Affected: yes. Study: VKGL Data-share Consensus. Not counted in ClinVar's aggregate classification.

Clinical Genetics, Academic Medical Center
Classification: Benign. Review status: no assertion criteria provided. Collection method: clinical testing. Allele origin: germline. Affected: yes. Study: VKGL Data-share Consensus. Not counted in ClinVar's aggregate classification.

Genome Diagnostics Laboratory, University Medical Center Utrecht
Classification: Benign. Review status: no assertion criteria provided. Collection method: clinical testing. Allele origin: germline. Affected: yes. Study: VKGL Data-share Consensus. Not counted in ClinVar's aggregate classification.

NM_002471.4(MYH6):c.3979-15C>A

Gene: MYH6 (myosin heavy chain 6; minus strand). Cytogenetic location: 14q11.2.
Variant type: single nucleotide variant.
Coding change: c.3979-15C>A on transcript NM_002471.4 (MANE Select); 15 bases into the intron before coding-DNA position 3979, C replaced by A.
Molecular consequence: intron variant.
Genome position (GRCh38, 1-based): chr14:23,389,070, G>T on the plus strand (C>A on the coding strand, the complement: MYH6 is on the minus strand). VCF-style: chr14-23389070-G-T. GRCh37 (hg19) VCF-style: chr14-23858279-G-T.
Identifiers: ClinVar variation 977733 (VCV000977733.23), dbSNP rs529249069, ClinGen allele CA7114990.
Genomic context (GRCh38, chr14:23,389,070, plus strand): 5'-AGTCATGCCGGGCCGACTGCAGTGCATGGGCCAGGGCGTTCTTCGCCTGGGGAGGGGGGG[G>T]GGCACCAGGAGGTGGGAGGGACTCCCTGTGCCCCATTCTCTAGATTCTCTTCTTATGTAG-3'